The following is an entry in ClinVar:

ClinVar aggregate classification (germline): Uncertain significance (1 of 4 stars; one submission).

Conditions:
Epidermolysis bullosa simplex 5B, with muscular dystrophy (EBS5B). Also called: EPIDERMOLYSIS BULLOSA SIMPLEX AND LIMB-GIRDLE MUSCULAR DYSTROPHY; Epidermolysis bullosa simplex with muscular dystrophy. Identifiers: Orphanet 257, MedGen C2931072, MONDO:0009181, OMIM 226670.
Epidermolysis bullosa simplex, Ogna type (EBS5A). Also called: EPIDERMOLYSIS BULLOSA SIMPLEX 5A, OGNA TYPE; Pidermolysis bullosa simplex 5A, Ogna type. Identifiers: Orphanet 79401, MedGen C0432317, MONDO:0007555, OMIM 131950.
Epidermolysis bullosa simplex with nail dystrophy (EBS5D). Identifiers: MedGen C4225309, MONDO:0014661, OMIM 616487.
Autosomal recessive limb-girdle muscular dystrophy type 2Q (LGMDR17). Also called: MUSCULAR DYSTROPHY, LIMB-GIRDLE, AUTOSOMAL RECESSIVE 17. Identifiers: Orphanet 254361, MedGen C3150989, MONDO:0013390, OMIM 613723.
Epidermolysis bullosa simplex 5C, with pyloric atresia (EBS5C). Also called: Epidermolysis bullosa simplex with pyloric atresia; PLEC-Related Epidermolysis Bullosa with Pyloric Atresia; PLEC1-Related Epidermolysis Bullosa with Pyloric Atresia. Identifiers: Orphanet 158684, MedGen C2677349, MONDO:0012807, OMIM 612138.

Submission:

Labcorp Genetics (formerly Invitae), Labcorp
Classification: Uncertain significance for Autosomal recessive limb-girdle muscular dystrophy type 2Q; Epidermolysis bullosa simplex, Ogna type; Epidermolysis bullosa simplex with nail dystrophy; Epidermolysis bullosa simplex 5C, with pyloric atresia; Epidermolysis bullosa simplex 5B, with muscular dystrophy. Last evaluated: 2024-10-08. Review status: criteria provided, single submitter. Criteria: Invitae Variant Classification Sherloc (09022015). Collection method: clinical testing. Allele origin: germline.
Comment: This variant, c.1530_1531insGTCTGCGTGTACCGTCTGCACGAGCGCCTGGTAGCC, results in the insertion of 12 amino acid(s) of the PLEC protein (p.Ala510_Ile511insValCysValTyrArgLeuHisGluArgLeuValAla), but otherwise preserves the integrity of the reading frame. This variant is present in population databases (rs782208041, gnomAD 0.03%). This variant has not been reported in the literature in individuals affected with PLEC-related conditions. ClinVar contains an entry for this variant (Variation ID: 1412828). Experimental studies and prediction algorithms are not available or were not evaluated, and the functional significance of this variant is currently unknown. In summary, the available evidence is currently insufficient to determine the role of this variant in disease. Therefore, it has been classified as a Variant of Uncertain Significance.

NM_201384.3(PLEC):c.1449_1450insGTCTGCGTGTACCGTCTGCACGAGCGCCTGGTAGCC (p.Ala483_Ile484insValCysValTyrArgLeuHisGluArgLeuValAla)

Gene: PLEC (plectin; minus strand). Cytogenetic location: 8q24.3.
Variant type: Insertion.
Coding change: c.1449_1450insGTCTGCGTGTACCGTCTGCACGAGCGCCTGGTAGCC on transcript NM_201384.3 (MANE Select); coding-DNA positions 1449 to 1450, GTCTGCGTGTACCGTCTGCACGAGCGCCTGGTAGCC inserted.
Protein change: p.Ala483_Ile484insValCysValTyrArgLeuHisGluArgLeuValAla.
Molecular consequence: inframe insertion.
Genome position: GRCh38: chr8:143,933,110-143,933,111. GRCh37 (hg19): chr8:145,007,278-145,007,279.
Other names: c.1530_1531insGTCTGCGTGTACCGTCTGCACGAGCGCCTGGTAGCC, p.Ala510_Ile511insValCysValTyrArgLeuHisGluArgLeuValAla (NM_000445.5); c.1407_1408insGTCTGCGTGTACCGTCTGCACGAGCGCCTGGTAGCC, p.Ala469_Ile470insValCysValTyrArgLeuHisGluArgLeuValAla (NM_201378.4); c.1383_1384insGTCTGCGTGTACCGTCTGCACGAGCGCCTGGTAGCC, p.Ala461_Ile462insValCysValTyrArgLeuHisGluArgLeuValAla (NM_201379.3); c.1860_1861insGTCTGCGTGTACCGTCTGCACGAGCGCCTGGTAGCC, p.Ala620_Ile621insValCysValTyrArgLeuHisGluArgLeuValAla (NM_201380.4); c.1353_1354insGTCTGCGTGTACCGTCTGCACGAGCGCCTGGTAGCC, p.Ala451_Ile452insValCysValTyrArgLeuHisGluArgLeuValAla (NM_201381.3); c.1449_1450insGTCTGCGTGTACCGTCTGCACGAGCGCCTGGTAGCC, p.Ala483_Ile484insValCysValTyrArgLeuHisGluArgLeuValAla (NM_201382.4); c.1461_1462insGTCTGCGTGTACCGTCTGCACGAGCGCCTGGTAGCC, p.Ala487_Ile488insValCysValTyrArgLeuHisGluArgLeuValAla (NM_201383.3).
Identifiers: ClinVar variation 1412828 (VCV001412828.8), dbSNP rs782208041, ClinGen allele CA4927950.
Genomic context (GRCh38, chr8:143,933,080, plus strand): 5'-CCACCTGGGTTGCAGGGGCCGCCACGCCTGCCTTCAGCCGTAGGTTGTACTCGGTGCGGA[T>TGGCTACCAGGCGCTCGTGCAGACGGTACACGCAGAC]GGCTACCAGGCGCTCGTGCAGACGGTACACCCTGGGGCAGCAGAGGACTCAGGTAGGTGT-3'